The following is an entry in ClinVar:

ClinVar aggregate classification (germline): Uncertain significance (1 of 4 stars; one submission).

Conditions:
Brachyolmia-amelogenesis imperfecta syndrome. Also called: PLATYSPONDYLY WITH AMELOGENESIS IMPERFECTA; Tooth agenesis, selective, 6; Dental anomalies and short stature. Identifiers: Orphanet 2899, MedGen C1832594, MONDO:0011018, OMIM 601216. Disease mechanism: loss of function.

Submission:

Labcorp Genetics (formerly Invitae), Labcorp
Classification: Uncertain significance for Brachyolmia-amelogenesis imperfecta syndrome. Last evaluated: 2022-05-25. Review status: criteria provided, single submitter. Criteria: Invitae Variant Classification Sherloc (09022015). Collection method: clinical testing. Allele origin: germline.
Comment: This sequence change replaces arginine, which is basic and polar, with glycine, which is neutral and non-polar, at codon 1249 of the LTBP3 protein (p.Arg1249Gly). Information on the frequency of this variant in the gnomAD database is not available, as this variant may be reported differently in the database. This variant has not been reported in the literature in individuals affected with LTBP3-related conditions. Experimental studies and prediction algorithms are not available or were not evaluated, and the functional significance of this variant is currently unknown. In summary, the available evidence is currently insufficient to determine the role of this variant in disease. Therefore, it has been classified as a Variant of Uncertain Significance.

NM_001130144.3(LTBP3):c.3744_3745inv (p.Arg1249Gly)

Gene: LTBP3 (latent transforming growth factor beta binding protein 3; minus strand). Cytogenetic location: 11q13.1.
Variant type: Inversion.
Coding change: c.3744_3745inv on transcript NM_001130144.3 (MANE Select).
Protein change: p.Arg1249Gly; replaces arginine 1249 with glycine.
Molecular consequence: missense variant.
Genome position: GRCh38 VCF-style: chr11-65539343-GG-CC. GRCh37 (hg19) VCF-style: chr11-65306814-GG-CC.
Other names: c.3252_3253inv, p.Arg1085Gly (NM_001164266.1); c.3603_3604inv, p.Arg1202Gly (NM_021070.4); short protein forms R1085G, R1202G, R1249G.
Identifiers: ClinVar variation 1998599 (VCV001998599.4), ClinGen allele CA2580084478.
Genomic context (GRCh38, chr11:65,539,343, plus strand): 5'-CACCACCGGCCCCGCCCCTGCCCCCACCCCCGAAGCCCGGCTCACCCACGCAGCGGGCGC[GG>CC]GAGGCGTCGAGCTGGAAGCCGCCGGGACACTCGCACACGGCGCCGCCCGGCCGCGGCACG-3'
Protein context (NP_001123616.1, residues 1239-1259): CPGGFQLDAS[Arg1249Gly]ARCVDIDECR